The following is an entry in ClinVar:

NM_018052.5(VAC14):c.625A>C (p.Asn209His)

Gene: VAC14 (VAC14 component of PIKFYVE complex; minus strand). Cytogenetic location: 16q22.1.
Variant type: single nucleotide variant.
Coding change: c.625A>C on transcript NM_018052.5 (MANE Select); coding-DNA position 625, A replaced by C.
Protein change: p.Asn209His; replaces asparagine 209 with histidine.
Molecular consequence: missense variant. On other transcripts: 5 prime UTR variant (1).
Genome position (GRCh38, 1-based): chr16:70,783,524, T>G on the plus strand (A>C on the coding strand, the complement: VAC14 is on the minus strand). VCF-style: chr16-70783524-T-G. GRCh37 (hg19) VCF-style: chr16-70817427-T-G.
Other names: c.-78A>C (NM_001351157.2); short protein forms N209H.
Identifiers: ClinVar variation 1480637 (VCV001480637.7), dbSNP rs757283927, ClinGen allele CA8148006.

ClinVar aggregate classification (germline): Uncertain significance (1 of 4 stars; one submission).

Allele frequency attached by ClinVar (database versions not stated): gnomAD exomes below 0.00001; ExAC 0.00001; gnomAD 0.00001; TOPMed 0.00001.
gnomAD v4.1: 8 of 1,613,846 alleles (0.0005%); highest among the groups gnomAD compares: Non-Finnish European, 0.00068%; no homozygotes.

Submission:

Labcorp Genetics (formerly Invitae), Labcorp
Classification: Uncertain significance. Last evaluated: 2022-05-27. Review status: criteria provided, single submitter. Criteria: Invitae Variant Classification Sherloc (09022015). Collection method: clinical testing. Allele origin: germline.
Comment: In summary, the available evidence is currently insufficient to determine the role of this variant in disease. Therefore, it has been classified as a Variant of Uncertain Significance. Algorithms developed to predict the effect of missense changes on protein structure and function are either unavailable or do not agree on the potential impact of this missense change (SIFT: "Deleterious"; PolyPhen-2: "Benign"; Align-GVGD: "Class C0"). This variant has not been reported in the literature in individuals affected with VAC14-related conditions. This variant is present in population databases (rs757283927, gnomAD 0.0009%). This sequence change replaces asparagine, which is neutral and polar, with histidine, which is basic and polar, at codon 209 of the VAC14 protein (p.Asn209His).